The following is an entry in ClinVar:

ClinVar aggregate classification (germline): Uncertain significance (1 of 4 stars; one submission).

Conditions:
Joubert syndrome 20 (JBTS20). Identifiers: Orphanet 475, MedGen C3554235, MONDO:0013994, OMIM 614970.
Meckel syndrome, type 11 (MKS11). Identifiers: Orphanet 564, MedGen C3809352, MONDO:0014164, OMIM 615397.

Allele frequency attached by ClinVar (database versions not stated): gnomAD exomes below 0.00001.

Submission:

Labcorp Genetics (formerly Invitae), Labcorp
Classification: Uncertain significance for Joubert syndrome 20; Meckel syndrome, type 11. Last evaluated: 2022-11-22. Review status: criteria provided, single submitter. Criteria: Invitae Variant Classification Sherloc (09022015). Collection method: clinical testing. Allele origin: germline.
Comment: This sequence change replaces proline, which is neutral and non-polar, with serine, which is neutral and polar, at codon 44 of the TMEM231 protein (p.Pro44Ser). In summary, the available evidence is currently insufficient to determine the role of this variant in disease. Therefore, it has been classified as a Variant of Uncertain Significance. Algorithms developed to predict the effect of missense changes on protein structure and function are either unavailable or do not agree on the potential impact of this missense change (SIFT: "Tolerated"; PolyPhen-2: "Not Available"; Align-GVGD: "Class C0"). ClinVar contains an entry for this variant (Variation ID: 1382910). This variant has not been reported in the literature in individuals affected with TMEM231-related conditions. This variant is not present in population databases (gnomAD no frequency).

NM_001077418.3(TMEM231):c.68C>T (p.Ala23Val)

Gene: TMEM231 (transmembrane protein 231; minus strand). Cytogenetic location: 16q23.1.
Variant type: single nucleotide variant.
Coding change: c.68C>T on transcript NM_001077418.3 (MANE Select); coding-DNA position 68, C replaced by T.
Protein change: p.Ala23Val; replaces alanine 23 with valine.
Molecular consequence: missense variant. On other transcripts: non-coding transcript variant (1).
Genome position (GRCh38, 1-based): chr16:75,556,142, G>A on the plus strand (C>T on the coding strand, the complement: TMEM231 is on the minus strand). VCF-style: chr16-75556142-G-A. GRCh37 (hg19) VCF-style: chr16-75590040-G-A.
Other names: c.130C>T, p.Pro44Ser (NM_001077416.2); short protein forms P44S, A23V.
Identifiers: ClinVar variation 1382910 (VCV001382910.8), dbSNP rs1567441268, ClinGen allele CA396810391.
Genomic context (GRCh38, chr16:75,556,142, plus strand): 5'-AAGGCCACCAGCAGCGGCGGGATGTACGTGAGCGCAGCGGCCAGCAGCAGGAACAGCGCG[G>A]CTTTGGAGCAGAGCCCCGCGCGGTAACTGCGCTCGACCGGGTGAGAGAAGAGCTCATAGA-3'
Protein context (NP_001070886.1, residues 13-33): RSYRAGLCSK[Ala23Val]ALFLLLAAAL